The following is an entry in ClinVar:

NM_001458.5(FLNC):c.7676A>G (p.His2559Arg)

Genes: FLNC (filamin C; plus strand), FLNC-AS1 (FLNC antisense RNA 1; minus strand). Cytogenetic location: 7q32.1.
Variant type: single nucleotide variant.
Coding change: c.7676A>G on transcript NM_001458.5 (MANE Select); coding-DNA position 7676, A replaced by G.
Protein change: p.His2559Arg; replaces histidine 2559 with arginine.
Molecular consequence: missense variant.
Genome position (GRCh38, 1-based): chr7:128,857,232, A>G. VCF-style: chr7-128857232-A-G. GRCh37 (hg19) VCF-style: chr7-128497286-A-G.
Other names: c.7577A>G, p.His2526Arg (NM_001127487.2); short protein forms H2526R, H2559R.
Identifiers: ClinVar variation 4689873 (VCV004689873.1).

ClinVar aggregate classification (germline): Uncertain significance (1 of 4 stars; one submission).

Submission:

GeneDx
Classification: Uncertain significance. Last evaluated: 2025-07-30. Review status: criteria provided, single submitter. Criteria: GeneDx Variant Classification Process June 2021. Collection method: clinical testing. Allele origin: germline. Affected: yes.
Comment: Not observed at significant frequency in large population cohorts (gnomAD); In silico analysis supports that this missense variant has a deleterious effect on protein structure/function; Has not been previously published as pathogenic or benign to our knowledge